The following is an entry in ClinVar:

ClinVar aggregate classification (germline): Conflicting classifications of pathogenicity. Review status: criteria provided, conflicting classifications (1 of 4 stars). 13 submissions from 12 submitters: Uncertain significance (1); Benign (1); Likely benign (8). 3 of the submissions do not count toward it. Last evaluated 2025-12-26.

Conditions:
WFS1-related disorder. Identifiers: MedGen CN379391, MONDO:0700293.
WFS1-Related Spectrum Disorders.
Wolfram syndrome 1 (WFS1). Identifiers: Orphanet 3463, MedGen C4551693, MONDO:0009101, OMIM 222300.
Autosomal dominant nonsyndromic hearing loss 6 (LFSNHL). Also called: DEAFNESS, AUTOSOMAL DOMINANT 6; Autosomal dominant nonsyndromic deafness 6; DEAFNESS, AUTOSOMAL DOMINANT 14; DEAFNESS, AUTOSOMAL DOMINANT 38. Identifiers: Orphanet 90635, MedGen C1833021, MONDO:0010963, OMIM 600965.

Allele frequency attached by ClinVar (database versions not stated): ESP Exome Variant Server 0.00015; gnomAD 0.00020 and 0.00023; TOPMed 0.00023.
gnomAD v4.1: 447 of 1,612,810 alleles (0.028%); highest among the groups gnomAD compares: Middle Eastern, 0.082%; no homozygotes.

Submissions (13):

Labcorp Genetics (formerly Invitae), Labcorp
Classification: Likely benign. Last evaluated: 2025-12-26. Review status: criteria provided, single submitter. Criteria: Invitae Variant Classification Sherloc (09022015). Collection method: clinical testing. Allele origin: germline.

Blueprint Genetics
Classification: Likely benign. Last evaluated: 2024-11-26. Review status: criteria provided, single submitter. Criteria: ACMG Guidelines, 2015. Collection method: clinical testing. Allele origin: germline.

CeGaT Center for Human Genetics Tuebingen
Classification: Likely benign. Last evaluated: 2022-09-01. Review status: criteria provided, single submitter. Criteria: CeGaT Center For Human Genetics Tuebingen Variant Classification Criteria Version 2. Collection method: clinical testing. Allele origin: germline. Affected: yes. Observed: 4 variant alleles.
Comment: WFS1: BP4, BP7

GeneDx
Classification: Likely benign. Last evaluated: 2020-07-13. Review status: criteria provided, single submitter. Criteria: GeneDx Variant Classification Process June 2021. Collection method: clinical testing. Allele origin: germline. Affected: yes.

Athena Diagnostics
Classification: Likely benign. Last evaluated: 2019-05-15. Review status: criteria provided, single submitter. Criteria: Athena Diagnostics Criteria. Collection method: clinical testing. Allele origin: germline.

Illumina Laboratory Services, Illumina
Classification: Likely benign for Autosomal dominant nonsyndromic hearing loss 6. Last evaluated: 2017-04-27. Review status: criteria provided, single submitter. Criteria: ICSL Variant Classification Criteria 13 December 2019. Collection method: clinical testing. Allele origin: germline.
Comment: This variant was observed as part of a predisposition screen in an ostensibly healthy population. A literature search was performed for the gene, cDNA change, and amino acid change (where applicable). No publications were found based on this search. Allele frequency data from public databases allowed determination this variant is unlikely to cause disease. Therefore, this variant is classified as likely benign.

Illumina Laboratory Services, Illumina
Classification: Uncertain significance for WFS1-Related Spectrum Disorders. Last evaluated: 2017-04-27. Review status: criteria provided, single submitter. Criteria: ICSL Variant Classification Criteria 13 December 2019. Collection method: clinical testing. Allele origin: germline.

Genetic Services Laboratory, University of Chicago
Classification: Likely benign. Last evaluated: 2016-06-13. Review status: criteria provided, single submitter. Criteria: ACMG Guidelines, 2015. Collection method: clinical testing. Allele origin: germline. Affected: no.

Laboratory for Molecular Medicine, Mass General Brigham Personalized Medicine
Classification: Likely benign. Last evaluated: 2012-04-30. Review status: criteria provided, single submitter. Criteria: LMM Criteria. Collection method: clinical testing. Allele origin: germline. Observed: 1 variant allele.
Comment: Ala750Ala in Exon 08 of WFS1: This variant is not expected to have clinical sign ificance because it does not alter an amino acid residue, is not located within the splice consensus sequence, and has been identified in 2/6990 European Americ an chromosomes from a broad population by the NHLBI Exome Sequencing Project.

Clinical Genomics, Uppaluri K&H Personalized Medicine Clinic
Classification: Benign for Wolfram syndrome 1. Review status: criteria provided, single submitter. Criteria: K & H Uppaluri Personalized Medicine Clinic Variant Classification & Assertion Criteria_Updated V.1. Collection method: research. Allele origin: unknown. Inheritance: Autosomal recessive inheritance.
Comment: Potent mutations in WFS1 gene are associated with Wolfram's syndrome, an autosomal recessive condition, which cause diabetes mellitus, diabetes insipidus, deafness and optic atrophy. However no sufficient evidence is found to ascertain the role of this particular variant rs369498603 in Wolfram's syndrome yet.

PreventionGenetics, part of Exact Sciences
Classification: Likely benign for WFS1-related condition. Last evaluated: 2020-02-12. Review status: no assertion criteria provided. Collection method: clinical testing. Allele origin: germline. Not counted in ClinVar's aggregate classification.
Comment: This variant is classified as likely benign based on ACMG/AMP sequence variant interpretation guidelines (Richards et al. 2015 PMID: 25741868, with internal and published modifications).

Clinical Genetics DNA and cytogenetics Diagnostics Lab, Erasmus MC, Erasmus Medical Center
Classification: Likely benign. Review status: no assertion criteria provided. Collection method: clinical testing. Allele origin: germline. Affected: yes. Study: VKGL Data-share Consensus. Not counted in ClinVar's aggregate classification.

Laboratory of Diagnostic Genome Analysis, Leiden University Medical Center (LUMC)
Classification: Likely benign. Review status: no assertion criteria provided. Collection method: clinical testing. Allele origin: germline. Affected: yes. Study: VKGL Data-share Consensus. Not counted in ClinVar's aggregate classification.

Literature cited by the submitters: PubMed 20738327 (cited by Clinical Genomics, Uppaluri K&H Personalized Medicine Clinic); PubMed 33879153 (cited by Clinical Genomics, Uppaluri K&H Personalized Medicine Clinic); PubMed 12955714 (cited by Clinical Genomics, Uppaluri K&H Personalized Medicine Clinic); PubMed 18060660 (cited by Clinical Genomics, Uppaluri K&H Personalized Medicine Clinic); PubMed 20301750 (cited by Clinical Genomics, Uppaluri K&H Personalized Medicine Clinic); PubMed 17603484 (cited by Clinical Genomics, Uppaluri K&H Personalized Medicine Clinic).

NM_006005.3(WFS1):c.2250C>T (p.Ala750=)

Gene: WFS1 (wolframin ER transmembrane glycoprotein; plus strand). Cytogenetic location: 4p16.1.
Variant type: single nucleotide variant.
Coding change: c.2250C>T on transcript NM_006005.3 (MANE Select); coding-DNA position 2250, C replaced by T.
Protein change: p.Ala750=; no amino-acid change (alanine 750 retained).
Molecular consequence: synonymous variant.
Genome position (GRCh38, 1-based): chr4:6,302,045, C>T. VCF-style: chr4-6302045-C-T. GRCh37 (hg19) VCF-style: chr4-6303772-C-T.
Other names: c.2250C>T, p.Ala750= (NM_001145853.1).
Identifiers: ClinVar variation 228236 (VCV000228236.64), dbSNP rs369498603, ClinGen allele CA2839661.